The following is an entry in ClinVar:

ClinVar aggregate classification (germline): Pathogenic (1 of 4 stars; one submission).

Conditions:
Odonto-onycho-dermal dysplasia. Identifiers: Orphanet 2721, MedGen C0796093, MONDO:0009773, OMIM 257980.
Tooth agenesis, selective, 4 (STHAG4). Also called: SUCCEDANEOUS TEETH, AGENESIS OF; TOOTH AGENESIS, SELECTIVE, 4, WITH OR WITHOUT ECTODERMAL DYSPLASIA; LATERAL INCISORS, ABSENCE OF; LATERAL INCISORS, PEGGED OR MISSING. Identifiers: Orphanet 99798, MedGen C1835492, MONDO:0007881, OMIM 150400. Disease mechanism: loss of function.

Submission:

Labcorp Genetics (formerly Invitae), Labcorp
Classification: Pathogenic for Tooth agenesis, selective, 4; Odonto-onycho-dermal dysplasia. Last evaluated: 2022-01-16. Review status: criteria provided, single submitter. Criteria: Invitae Variant Classification Sherloc (09022015). Collection method: clinical testing. Allele origin: germline.
Comment: For these reasons, this variant has been classified as Pathogenic. This variant has not been reported in the literature in individuals affected with WNT10A-related conditions. This sequence change creates a premature translational stop signal (p.Glu129Glyfs*26) in the WNT10A gene. It is expected to result in an absent or disrupted protein product. Loss-of-function variants in WNT10A are known to be pathogenic (PMID: 17847007, 22581971, 25629078). This variant is not present in population databases (gnomAD no frequency).

Literature cited by the submitters: PubMed 17847007; PubMed 22581971; PubMed 25629078.

NM_025216.3(WNT10A):c.386del (p.Glu129fs)

Gene: WNT10A (Wnt family member 10A; plus strand). Cytogenetic location: 2q35.
Variant type: Deletion.
Coding change: c.386del on transcript NM_025216.3 (MANE Select); coding-DNA position 386, one base deleted (A; older notation c.386delA).
Protein change: p.Glu129fs; shifts the reading frame from glutamic acid 129.
Molecular consequence: frameshift variant.
Genome position (GRCh38, 1-based): chr2:218,889,993, A deleted. VCF-style (leftmost placement, unchanged base first): chr2-218889992-GA-G. GRCh37 (hg19) VCF-style: chr2-219754714-GA-G.
Other names: short protein forms E129fs.
Identifiers: ClinVar variation 2084754 (VCV002084754.4), dbSNP rs2470312303, ClinGen allele CA2580065706.
Genomic context (GRCh38, chr2:218,889,992, plus strand): 5'-TGGGGTGTCAAGGCCCCTCCAGAGTCCATGTGTTCTGGGTCTTTAACCACAGGTTTCCGA[GA>G]GAGCGCTTTTGCCTACGCCATCGCAGCAGCTGGCGTGGTGCACGCCGTGTCCAATGCGTG-3'